The following is an entry in ClinVar:

NM_018896.5(CACNA1G):c.6200G>T (p.Arg2067Met)

Gene: CACNA1G (calcium voltage-gated channel subunit alpha1 G; plus strand). Cytogenetic location: 17q21.33.
Variant type: single nucleotide variant.
Coding change: c.6200G>T on transcript NM_018896.5 (MANE Select); coding-DNA position 6200, G replaced by T.
Protein change: p.Arg2067Met; replaces arginine 2067 with methionine.
Molecular consequence: missense variant. On other transcripts: non-coding transcript variant (5).
Genome position (GRCh38, 1-based): chr17:50,624,046, G>T. VCF-style: chr17-50624046-G-T. GRCh37 (hg19) VCF-style: chr17-48701407-G-T.
Other names: c.6011G>T, p.Arg2004Met (NM_001256324.2); c.5942G>T, p.Arg1981Met (NM_001256325.2); c.5930G>T, p.Arg1977Met (NM_001256326.2); c.5900G>T, p.Arg1967Met (NM_001256327.2); c.5846G>T, p.Arg1949Met (NM_001256328.2); c.5819G>T, p.Arg1940Met (NM_001256329.2, NM_198376.3, NM_198387.3); c.5786G>T, p.Arg1929Met (NM_001256330.2); c.5765G>T, p.Arg1922Met (NM_001256331.2); and 15 more; short protein forms R1917M, R1922M, R1929M, R1933M, R1936M, R1938M, R1940M, R1947M.
Identifiers: ClinVar variation 3610018 (VCV003610018.2).
Genomic context (GRCh38, chr17:50,624,046, plus strand): 5'-TGCCCAATGACAGCTACATGTGTCGGCATGGGAGCACTGCCGAGGGGCCCCTGGGACACA[G>T]GGGCTGGGGGCTCCCCAAAGCTCAGTCAGGTACCAGGGCTAGAGCAGGCCAATTTGGCTC-3'
Protein context (NP_061496.2, residues 2057-2077): GSTAEGPLGH[Arg2067Met]GWGLPKAQSG

ClinVar aggregate classification (germline): Uncertain significance (1 of 4 stars; one submission).

gnomAD v4.1: 3 of 1,612,648 alleles (0.00019%); highest among the groups gnomAD compares: Non-Finnish European, 0.00025%; no homozygotes.

Submission:

Labcorp Genetics (formerly Invitae), Labcorp
Classification: Uncertain significance. Last evaluated: 2024-04-05. Review status: criteria provided, single submitter. Criteria: Invitae Variant Classification Sherloc (09022015). Collection method: clinical testing. Allele origin: germline.
Comment: This sequence change replaces arginine, which is basic and polar, with methionine, which is neutral and non-polar, at codon 2067 of the CACNA1G protein (p.Arg2067Met). This variant is present in population databases (no rsID available, gnomAD 0.002%). This variant has not been reported in the literature in individuals affected with CACNA1G-related conditions. Advanced modeling of protein sequence and biophysical properties (such as structural, functional, and spatial information, amino acid conservation, physicochemical variation, residue mobility, and thermodynamic stability) performed at Invitae indicates that this missense variant is not expected to disrupt CACNA1G protein function with a negative predictive value of 95%. In summary, the available evidence is currently insufficient to determine the role of this variant in disease. Therefore, it has been classified as a Variant of Uncertain Significance.